The following is an entry in ClinVar:

ClinVar aggregate classification (germline): Pathogenic (1 of 4 stars; one submission).

Conditions:
Familial thoracic aortic aneurysm and aortic dissection (TAAD). Also called: Thoracic aortic aneurysms and dissections. Identifiers: Orphanet 91387, MedGen C4707243, MONDO:0019625.
Marfan syndrome (MFS). Also called: Marfan syndrome, classic; Marfan syndrome type 1; Marfan's syndrome; FBN1-Related Marfan Syndrome; MARFAN SYNDROME, TYPE I. Identifiers: Orphanet 284963, Orphanet 558, MedGen C0024796, MONDO:0007947, OMIM 154700.

Submission:

Labcorp Genetics (formerly Invitae), Labcorp
Classification: Pathogenic for Marfan syndrome; Familial thoracic aortic aneurysm and aortic dissection. Last evaluated: 2019-09-30. Review status: criteria provided, single submitter. Criteria: Invitae Variant Classification Sherloc (09022015). Collection method: clinical testing. Allele origin: germline.
Comment: For these reasons, this variant has been classified as Pathogenic. Loss-of-function variants in FBN1 are known to be pathogenic (PMID: 17657824, 19293843). This variant has not been reported in the literature in individuals with FBN1-related conditions. This variant is not present in population databases (ExAC no frequency). This sequence change creates a premature translational stop signal (p.Cys2429*) in the FBN1 gene. It is expected to result in an absent or disrupted protein product.

Literature cited by the submitters: PubMed 17657824; PubMed 19293843.

NM_000138.5(FBN1):c.7287del (p.Ile2428_Cys2429insTer)

Gene: FBN1 (fibrillin 1; minus strand). Cytogenetic location: 15q21.1.
Variant type: Deletion.
Coding change: c.7287del on transcript NM_000138.5 (MANE Select); coding-DNA position 7287, one base deleted (T; older notation c.7287delT).
Protein change: p.Ile2428_Cys2429insTer.
Molecular consequence: nonsense.
Genome position (GRCh38, 1-based): chr15:48,425,782, A deleted on the plus strand (T on the coding strand, the reverse complement: FBN1 is on the minus strand). VCF-style (leftmost placement, unchanged base first): chr15-48425781-TA-T. GRCh37 (hg19) VCF-style: chr15-48717978-TA-T.
Identifiers: ClinVar variation 933384 (VCV000933384.7), dbSNP rs2042974444, ClinGen allele CA1139663923.
Genomic context (GRCh38, chr15:48,425,781, plus strand): 5'-TCAGAAATAGACACTTACCTACACAGGAAGTCCCAGTTATATCTGGAGTGTACCCAGTTT[TA>T]CAAATGCAATGATATGATCCTCTGTCATTGACACATTCCCCATTTCGGCAAACATCGTGA-3'